The following is an entry in ClinVar:

NM_001330078.2(NRXN1):c.528G>T (p.Glu176Asp)

Gene: NRXN1 (neurexin 1; minus strand). Cytogenetic location: 2p16.3.
Variant type: single nucleotide variant.
Coding change: c.528G>T on transcript NM_001330078.2 (MANE Select); coding-DNA position 528, G replaced by T.
Protein change: p.Glu176Asp; replaces glutamic acid 176 with aspartic acid.
Molecular consequence: missense variant.
Genome position (GRCh38, 1-based): chr2:51,027,746, C>A on the plus strand (G>T on the coding strand, the complement: NRXN1 is on the minus strand). VCF-style: chr2-51027746-C-A. GRCh37 (hg19) VCF-style: chr2-51254884-C-A.
Other names: c.528G>T, p.Glu176Asp (NM_001135659.3, NM_001330077.2, NM_001330079.2 and 15 more transcripts); c.528G>T (NM_001135659.1); short protein forms E176D.
Identifiers: ClinVar variation 1035728 (VCV001035728.9), dbSNP rs1449074494, ClinGen allele CA346823826.
Genomic context (GRCh38, chr2:51,027,746, plus strand): 5'-GGGCAGGACCTGCGAGGAGTTGACCCTCACGTCACGAATCCACCCCTTGAAGGGCTCCCG[C>A]TCCCTCACCGAGGCCAGGGTGAGCTTGAGCGCCGCGGCGCGCAGTTCCGGGGGCAGCCCC-3'
Protein context (NP_001317007.1, residues 166-186): ALKLTLASVR[Glu176Asp]REPFKGWIRD

ClinVar aggregate classification (germline): Uncertain significance. Review status: criteria provided, multiple submitters, no conflicts (2 of 4 stars). 2 submissions from 2 submitters: Uncertain significance (2). Last evaluated 2025-08-13.

Conditions:
Pitt-Hopkins-like syndrome 2 (PTHSL2). Identifiers: Orphanet 221150, Orphanet 600663, MedGen C3280479, MONDO:0013690, OMIM 614325.
Inborn genetic diseases. Identifiers: MedGen C0950123, MeSH D030342.

Allele frequency attached by ClinVar (database versions not stated): gnomAD exomes below 0.00001.
gnomAD v4.1: 2 of 1,612,094 alleles (0.00012%); highest among the groups gnomAD compares: Non-Finnish European, 0.00017%; no homozygotes.

Submissions (2):

Ambry Genetics
Classification: Uncertain significance for Inborn genetic diseases. Last evaluated: 2025-08-13. Review status: criteria provided, single submitter. Criteria: Ambry Variant Classification Scheme 2023. Collection method: clinical testing. Allele origin: germline.

Labcorp Genetics (formerly Invitae), Labcorp
Classification: Uncertain significance for Pitt-Hopkins-like syndrome 2. Last evaluated: 2025-06-29. Review status: criteria provided, single submitter. Criteria: Invitae Variant Classification Sherloc (09022015). Collection method: clinical testing. Allele origin: germline.
Comment: This sequence change replaces glutamic acid, which is acidic and polar, with aspartic acid, which is acidic and polar, at codon 176 of the NRXN1 protein (p.Glu176Asp). This variant is not present in population databases (gnomAD no frequency). This variant has not been reported in the literature in individuals affected with NRXN1-related conditions. ClinVar contains an entry for this variant (Variation ID: 1035728). An algorithm developed to predict the effect of missense changes on protein structure and function (PolyPhen-2) suggests that this variant is likely to be tolerated. In summary, the available evidence is currently insufficient to determine the role of this variant in disease. Therefore, it has been classified as a Variant of Uncertain Significance.